The following is an entry in ClinVar:

NM_000092.5(COL4A4):c.755G>A (p.Gly252Asp)

Gene: COL4A4 (collagen type IV alpha 4 chain; minus strand). Cytogenetic location: 2q36.3.
Variant type: single nucleotide variant.
Coding change: c.755G>A on transcript NM_000092.5 (MANE Select); coding-DNA position 755, G replaced by A.
Protein change: p.Gly252Asp; replaces glycine 252 with aspartic acid.
Molecular consequence: missense variant.
Genome position (GRCh38, 1-based): chr2:227,104,033, C>T on the plus strand (G>A on the coding strand, the complement: COL4A4 is on the minus strand). VCF-style: chr2-227104033-C-T. GRCh37 (hg19) VCF-style: chr2-227968749-C-T.
Other names: short protein forms G252D.
Identifiers: ClinVar variation 870369 (VCV000870369.9), dbSNP rs760795817, ClinGen allele CA350858400.

ClinVar aggregate classification (germline): Pathogenic/Likely pathogenic. Review status: criteria provided, multiple submitters, no conflicts (2 of 4 stars). 7 submissions from 7 submitters: Pathogenic (3); Likely pathogenic (4). Last evaluated 2025-06-04.

Conditions:
Benign familial hematuria. Also called: thin basement membrane disease. Identifiers: MedGen C0241908, MONDO:0957317.
Autosomal recessive Alport syndrome (ATS2). Also called: Alport syndrome type 2; ALPORT SYNDROME 2, AUTOSOMAL RECESSIVE; COL4A3-Related Nephropathy; COL4A4 Alport Syndrome and Thin Basement Membrane Nephropathy. Identifiers: Orphanet 63, Orphanet 88919, MedGen C4746745, MONDO:0008762, OMIM 203780.
Hematuria, benign familial, 1 (BFH1). Also called: THIN MEMBRANE NEPHROPATHY. Identifiers: MedGen CN376803, MONDO:0007709, OMIM 141200.

gnomAD v4.1: 1 of 1,613,102 alleles (0.000062%); highest among the groups gnomAD compares: Non-Finnish European, 0.000085%; no homozygotes.

Submissions (7):

GeneDx
Classification: Likely pathogenic. Last evaluated: 2025-06-04. Review status: criteria provided, single submitter. Criteria: GeneDx Variant Classification Process June 2021. Collection method: clinical testing. Allele origin: germline. Affected: yes.
Comment: Affects a glycine residue in a Gly-X-Y motif in the triple helical region of the COL4A4 gene; Not observed at significant frequency in large population cohorts (gnomAD); In silico analysis supports that this missense variant has a deleterious effect on protein structure/function; This variant is associated with the following publications: (PMID: 37915894, 33532864, 33233744, 33226606, 38338714, 33369211, 29801666)

MVZ Medizinische Genetik Mainz
Classification: Pathogenic for Autosomal recessive Alport syndrome. Last evaluated: 2024-10-22. Review status: criteria provided, single submitter. Criteria: UK Practice Guidelines For Variant Classification V4 01 2020. Collection method: clinical testing. Allele origin: germline. Inheritance: Autosomal dominant inheritance. Observed: 1 variant allele.
Comment: ACMG Criteria: PM1_STR,PM5,PS4_SUP,PM2_SUP,PP3,PP4

Fulgent Genetics
Classification: Pathogenic for Hematuria, benign familial, 1; Autosomal recessive Alport syndrome. Last evaluated: 2024-04-07. Review status: criteria provided, single submitter. Criteria: ACMG Guidelines, 2015. Collection method: clinical testing. Allele origin: germline.

Labcorp Genetics (formerly Invitae), Labcorp
Classification: Pathogenic. Last evaluated: 2024-02-20. Review status: criteria provided, single submitter. Criteria: Invitae Variant Classification Sherloc (09022015). Collection method: clinical testing. Allele origin: germline.
Comment: This sequence change replaces glycine, which is neutral and non-polar, with aspartic acid, which is acidic and polar, at codon 252 of the COL4A4 protein (p.Gly252Asp). This variant is not present in population databases (gnomAD no frequency). This missense change has been observed in individual(s) with Alport syndrome (PMID: 29801666, 33233744, 33369211). In at least one individual the data is consistent with being in trans (on the opposite chromosome) from a pathogenic variant. It has also been observed to segregate with disease in related individuals. ClinVar contains an entry for this variant (Variation ID: 870369). Advanced modeling of protein sequence and biophysical properties (such as structural, functional, and spatial information, amino acid conservation, physicochemical variation, residue mobility, and thermodynamic stability) performed at Invitae indicates that this missense variant is not expected to disrupt COL4A4 protein function with a negative predictive value of 95%. This variant disrupts the p.Gly252 amino acid residue in COL4A4. Other variant(s) that disrupt this residue have been determined to be pathogenic (PMID: 31328266, 33838161, 36130833; Invitae). This suggests that this residue is clinically significant, and that variants that disrupt this residue are likely to be disease-causing. For these reasons, this variant has been classified as Pathogenic.

Institute of Human Genetics Munich, TUM University Hospital
Classification: Likely pathogenic for Hematuria, benign familial, 1. Last evaluated: 2022-03-09. Review status: criteria provided, single submitter. Criteria: Classification criteria August 2017. Collection method: clinical testing. Allele origin: germline. Inheritance: Autosomal dominant inheritance. Affected: yes. Observed: 2 variant alleles.

Medical Genetics, University of Parma
Classification: Likely pathogenic for Autosomal recessive Alport syndrome. Last evaluated: 2020-03-11. Review status: criteria provided, single submitter. Criteria: ACMG Guidelines, 2015. Collection method: clinical testing. Allele origin: germline. Affected: yes.

Molecular Biology Laboratory, Fundació Puigvert
Classification: Likely pathogenic for Autosomal recessive Alport syndrome. Last evaluated: 2020-02-01. Review status: criteria provided, single submitter. Criteria: ACMG Guidelines, 2015. Collection method: research. Allele origin: maternal. Affected: yes. Study: KidneyPanel_2020.

Literature cited by the submitters: PubMed 29801666 (cited by Labcorp Genetics (formerly Invitae), Labcorp); PubMed 33233744 (cited by Labcorp Genetics (formerly Invitae), Labcorp); PubMed 33369211 (cited by Labcorp Genetics (formerly Invitae), Labcorp); PubMed 31328266 (cited by Labcorp Genetics (formerly Invitae), Labcorp); PubMed 33838161 (cited by Labcorp Genetics (formerly Invitae), Labcorp); PubMed 36130833 (cited by Labcorp Genetics (formerly Invitae), Labcorp); PubMed 33532864 (cited by Molecular Biology Laboratory, Fundació Puigvert).